The following is an entry in ClinVar:

ClinVar aggregate classification (germline): Likely benign. Review status: criteria provided, multiple submitters, no conflicts (2 of 4 stars). 2 submissions from 2 submitters: Likely benign (2). Last evaluated 2026-01-21.

Conditions:
GDF6-related disorder. Also called: GDF6-related condition.
Leber congenital amaurosis 17 (LCA17). Identifiers: Orphanet 65, MedGen C3715164, MONDO:0014145, OMIM 615360.
Microphthalmia, isolated, with coloboma 6 (MCOPCB6). Also called: Microphthalmia with coloboma 6, digenic; Microphthalmia with coloboma 6; MICROPHTHALMIA/COLOBOMA 6. Identifiers: Orphanet 98938, MedGen C3150968, MONDO:0013376, OMIM 613703.
Isolated microphthalmia 4. Identifiers: Orphanet 2542, MedGen C2751307, MONDO:0013130, OMIM 613094.
Klippel-Feil syndrome 1, autosomal dominant (KFS1). Also called: CERVICAL VERTEBRAL FUSION, AUTOSOMAL DOMINANT. Identifiers: Orphanet 2345, MedGen C1861689, MONDO:0007306, OMIM 118100.

Submissions (2):

Labcorp Genetics (formerly Invitae), Labcorp
Classification: Likely benign for Isolated microphthalmia 4; Leber congenital amaurosis 17; Klippel-Feil syndrome 1, autosomal dominant; Microphthalmia, isolated, with coloboma 6. Last evaluated: 2026-01-21. Review status: criteria provided, single submitter. Criteria: Invitae Variant Classification Sherloc (09022015). Collection method: clinical testing. Allele origin: germline.

PreventionGenetics, part of Exact Sciences
Classification: Likely benign for GDF6-related condition. Last evaluated: 2025-12-16. Review status: criteria provided, single submitter. Criteria: ACMG Guidelines, 2015. Collection method: clinical testing. Allele origin: germline.
Comment: This variant is classified as likely benign based on ACMG/AMP sequence variant interpretation guidelines (Richards et al. 2015 PMID: 25741868, with internal and published modifications).

NM_001001557.4(GDF6):c.96GTC[1] (p.Ser34del)

Gene: GDF6 (growth differentiation factor 6; minus strand). Cytogenetic location: 8q22.1.
Variant type: Microsatellite.
Coding change: c.96GTC[1] on transcript NM_001001557.4 (MANE Select); one copy of the 3-base unit GTC starting at c.96; the reference has two copies in a row; one copy, 3 bases deleted; also written c.99_101del.
Protein change: p.Ser34del; deletes serine 34.
Molecular consequence: inframe deletion.
Genome position (GRCh38, 1-based): chr8:96,160,592-96,160,594, GAC deleted on the plus strand (GTC on the coding strand, the reverse complement: GDF6 is on the minus strand); deleting any 3 consecutive bases within chr8:96,160,592-96,160,599 gives the same sequence; the position shown is the placement nearest the transcript's 3' end. VCF-style (leftmost placement, unchanged base first): chr8-96160591-GGAC-G. GRCh37 (hg19) VCF-style: chr8-97172819-GGAC-G.
Other names: c.99_101delGTC (NM_001001557.3); c.99_101del (NM_001001557.2); short protein forms S34del.
Identifiers: ClinVar variation 470717 (VCV000470717.12), dbSNP rs141468446, ClinGen allele CA4815553.